The following is an entry in ClinVar:

ClinVar aggregate classification (germline): Uncertain significance (1 of 4 stars; one submission).

Conditions:
Neurofibromatosis, familial spinal (FSNF). Identifiers: Orphanet 636, MedGen C1834235, MONDO:0008078, OMIM 162210. Disease mechanism: loss of function.

Submission:

OLLIN Analises Genomicas, OLLIN
Classification: Uncertain significance for Neurofibromatosis, familial spinal. Last evaluated: 2026-08-06. Review status: criteria provided, single submitter. Criteria: ACMG Guidelines 2015 PMID 25741868. Collection method: clinical testing. Allele origin: germline. Inheritance: Autosomal dominant inheritance.
Comment: This in-frame deletion, located in exon 29 (of 58), is absent from gnomAD and ClinVar and has not been identified in the literature. This variant removes 4 amino acids, preserving the reading frame and leading to a reduced protein length. According to the currently available evidence, this variant has been classified as uncertain significance (PM2_P, PM4).

NM_001042492.3(NF1):c.3951_3962del (p.Ser1318_Val1321del)

Gene: NF1 (neurofibromin 1; plus strand). Cytogenetic location: 17q11.2.
Variant type: Deletion.
Coding change: c.3951_3962del on transcript NM_001042492.3 (MANE Select); coding-DNA positions 3951 to 3962, 12 bases deleted (TAGCTTTGAAGT).
Protein change: p.Ser1318_Val1321del.
Molecular consequence: inframe deletion.
Genome position (GRCh38, 1-based): chr17:31,235,998-31,236,009, TAGCTTTGAAGT deleted; deleting any 12 consecutive bases within chr17:31,235,996-31,236,009 gives the same sequence; the c. name uses the placement nearest the transcript's 3' end. VCF-style (leftmost placement, unchanged base first): chr17-31235995-TGTTAGCTTTGAA-T. GRCh37 (hg19) VCF-style: chr17-29563013-TGTTAGCTTTGAA-T.
Other names: c.3951_3962del, p.Ser1318_Val1321del (NM_000267.4).
Identifiers: ClinVar variation 5003053 (VCV005003053.1).